The following is an entry in ClinVar:

ClinVar aggregate classification (germline): Likely benign. Review status: criteria provided, multiple submitters, no conflicts (2 of 4 stars). 3 submissions from 3 submitters: Likely benign (2). 1 of the submissions does not count toward it. Last evaluated 2024-12-02.

Conditions:
FLNA-related disorder.
Familial thoracic aortic aneurysm and aortic dissection (TAAD). Also called: Thoracic aortic aneurysms and dissections. Identifiers: Orphanet 91387, MedGen C4707243, MONDO:0019625.
Heterotopia, periventricular, X-linked dominant (PVNH1). Also called: PERIVENTRICULAR NODULAR HETEROTOPIA 1; X-linked periventricular heterotopia; PERIVENTRICULAR NODULAR HETEROTOPIA 4; HETEROTOPIA, PERIVENTRICULAR, 1. Identifiers: Orphanet 2149, Orphanet 82004, MedGen C1848213, MONDO:0010233, OMIM 300049.
Oto-palato-digital syndrome, type II (OPD2). Also called: OPD II SYNDROME; FACIOPALATOOSSEOUS SYNDROME; Otopalatodigital Syndrome, Type II; Otopalatodigital Syndrome Type 2 (FLNA-OPD2). Identifiers: Orphanet 669, Orphanet 90652, MedGen C1844696, MONDO:0010571, OMIM 304120.
Melnick-Needles syndrome (MNS). Also called: MELNICK-NEEDLES OSTEODYSPLASTY; OSTEODYSPLASTY OF MELNICK AND NEEDLES; Melnick-Needles Syndrome (FLNA-MNS). Identifiers: Orphanet 2484, MedGen C0025237, MONDO:0010650, OMIM 309350.
Frontometaphyseal dysplasia (FMD1). Identifiers: Orphanet 1826, MedGen C0265293, MONDO:0015942.

gnomAD v4.1: 7 of 1,212,171 alleles (0.00058%); highest among the groups gnomAD compares: Non-Finnish European, 0.00067%; no homozygotes.

Submissions (3):

Labcorp Genetics (formerly Invitae), Labcorp
Classification: Likely benign for Oto-palato-digital syndrome, type II; Heterotopia, periventricular, X-linked dominant; Frontometaphyseal dysplasia; Melnick-Needles syndrome. Last evaluated: 2024-12-02. Review status: criteria provided, single submitter. Criteria: Invitae Variant Classification Sherloc (09022015). Collection method: clinical testing. Allele origin: germline.

Ambry Genetics
Classification: Likely benign for Familial thoracic aortic aneurysm and aortic dissection. Last evaluated: 2024-07-07. Review status: criteria provided, single submitter. Criteria: Ambry Variant Classification Scheme 2023. Collection method: clinical testing. Allele origin: germline.

PreventionGenetics, part of Exact Sciences
Classification: Likely benign for FLNA-related condition. Last evaluated: 2022-02-08. Review status: no assertion criteria provided. Collection method: clinical testing. Allele origin: germline. Not counted in ClinVar's aggregate classification.
Comment: This variant is classified as likely benign based on ACMG/AMP sequence variant interpretation guidelines (Richards et al. 2015 PMID: 25741868, with internal and published modifications).

NM_001110556.2(FLNA):c.5073T>C (p.Pro1691=)

Gene: FLNA (filamin A; minus strand). Cytogenetic location: Xq28.
Variant type: single nucleotide variant.
Coding change: c.5073T>C on transcript NM_001110556.2 (MANE Select); coding-DNA position 5073, T replaced by C.
Protein change: p.Pro1691=; no amino-acid change (proline 1691 retained).
Molecular consequence: synonymous variant.
Genome position (GRCh38, 1-based): chrX:154,354,969, A>G on the plus strand (T>C on the coding strand, the complement: FLNA is on the minus strand). VCF-style: chrX-154354969-A-G. GRCh37 (hg19) VCF-style: chrX-153583337-A-G.
Other names: c.5049T>C (NM_001456.3); c.5049T>C, p.Pro1683= (NM_001456.4); c.5073T>C (NM_001110556.1).
Identifiers: ClinVar variation 1092671 (VCV001092671.12), dbSNP rs2148107520, ClinGen allele CA519707385.